The following is an entry in ClinVar:

ClinVar aggregate classification (germline): Uncertain significance (1 of 4 stars; one submission).

Conditions:
Mitochondrial complex II deficiency, nuclear type 1. Also called: SUCCINATE CoQ REDUCTASE DEFICIENCY. Identifiers: Orphanet 3208, MedGen C5700310, MONDO:0100294, OMIM 252011.
Pheochromocytoma/paraganglioma syndrome 5. Also called: Paragangliomas 5; SDHA-Related Hereditary Paraganglioma-Pheochromocytoma Syndrome. Identifiers: Orphanet 29072, MedGen C3279992, MONDO:0013602, OMIM 614165.

Submission:

Labcorp Genetics (formerly Invitae), Labcorp
Classification: Uncertain significance for Pheochromocytoma/paraganglioma syndrome 5; Mitochondrial complex II deficiency, nuclear type 1. Last evaluated: 2024-08-05. Review status: criteria provided, single submitter. Criteria: Invitae Variant Classification Sherloc (09022015). Collection method: clinical testing. Allele origin: germline.
Comment: This sequence change replaces tyrosine, which is neutral and polar, with asparagine, which is neutral and polar, at codon 141 of the SDHA protein (p.Tyr141Asn). This variant is not present in population databases (gnomAD no frequency). This variant has not been reported in the literature in individuals affected with SDHA-related conditions. Advanced modeling of protein sequence and biophysical properties (such as structural, functional, and spatial information, amino acid conservation, physicochemical variation, residue mobility, and thermodynamic stability) has been performed at Invitae for this missense variant, however the output from this modeling did not meet the statistical confidence thresholds required to predict the impact of this variant on SDHA protein function. In summary, the available evidence is currently insufficient to determine the role of this variant in disease. Therefore, it has been classified as a Variant of Uncertain Significance.

NM_004168.4(SDHA):c.421T>A (p.Tyr141Asn)

Gene: SDHA (succinate dehydrogenase complex flavoprotein subunit A; plus strand). Cytogenetic location: 5p15.33.
Variant type: single nucleotide variant.
Coding change: c.421T>A on transcript NM_004168.4 (MANE Select); coding-DNA position 421, T replaced by A.
Protein change: p.Tyr141Asn; replaces tyrosine 141 with asparagine.
Molecular consequence: missense variant. On other transcripts: intron variant (1).
Genome position (GRCh38, 1-based): chr5:225,527, T>A. VCF-style: chr5-225527-T-A. GRCh37 (hg19) VCF-style: chr5-225642-T-A.
Other names: c.421T>A, p.Tyr141Asn (NM_001330758.2); c.313-356T>A (NM_001294332.2); short protein forms Y141N.
Identifiers: ClinVar variation 3754185 (VCV003754185.2).
Genomic context (GRCh38, chr5:225,527, plus strand): 5'-TGGCATTTCTACGACACCGTGAAGGGCTCCGACTGGCTGGGGGACCAGGATGCCATCCAC[T>A]ACATGACGGAGCAGGCCCCCGCCGCCGTGGTCGAGGTGATGGGCGGGAGGCTCTGGGTGT-3'
Protein context (NP_004159.2, residues 131-151): DWLGDQDAIH[Tyr141Asn]MTEQAPAAVV